The following is an entry in ClinVar:

NM_000238.4(KCNH2):c.2465T>C (p.Val822Ala)

Gene: KCNH2 (potassium voltage-gated channel subfamily H member 2; minus strand). Cytogenetic location: 7q36.1.
Variant type: single nucleotide variant.
Coding change: c.2465T>C on transcript NM_000238.4 (MANE Select); coding-DNA position 2465, T replaced by C.
Protein change: p.Val822Ala; replaces valine 822 with alanine.
Molecular consequence: missense variant. On other transcripts: non-coding transcript variant (2).
Genome position (GRCh38, 1-based): chr7:150,948,983, A>G on the plus strand (T>C on the coding strand, the complement: KCNH2 is on the minus strand). VCF-style: chr7-150948983-A-G. GRCh37 (hg19) VCF-style: chr7-150646071-A-G.
Other names: c.2177T>C, p.Val726Ala (NM_001406753.1); c.1445T>C, p.Val482Ala (NM_172057.3); short protein forms V482A, V726A, V822A.
Identifiers: ClinVar variation 2575020 (VCV002575020.1), dbSNP rs2486015845, ClinGen allele CA369855178.

ClinVar aggregate classification (germline): Likely pathogenic (1 of 4 stars; one submission).

Submission:

GeneDx
Classification: Likely pathogenic. Last evaluated: 2023-02-02. Review status: criteria provided, single submitter. Criteria: GeneDx Variant Classification Process June 2021. Collection method: clinical testing. Allele origin: germline. Affected: yes.
Comment: Not observed at significant frequency in large population cohorts (gnomAD); In silico analysis supports that this missense variant has a deleterious effect on protein structure/function; Has not been previously published as pathogenic or benign to our knowledge